The following is an entry in ClinVar:

NM_001429.4(EP300):c.6455_6466dup (p.Gln2155_Pro2156insGlnGlnLeuGln)

Gene: EP300 (EP300 lysine acetyltransferase; plus strand). Cytogenetic location: 22q13.2.
Variant type: Duplication.
Coding change: c.6455_6466dup on transcript NM_001429.4 (MANE Select); coding-DNA positions 6455 to 6466, 12 bases duplicated (AGCAACTCCAGC).
Protein change: p.Gln2155_Pro2156insGlnGlnLeuGln.
Molecular consequence: inframe insertion.
Genome position (GRCh38, 1-based): chr22:41,178,166-41,178,177, AGCAACTCCAGC duplicated; duplicating any 12 consecutive bases within chr22:41,178,162-41,178,177 gives the same sequence; the c. name uses the placement nearest the transcript's 3' end. VCF-style (leftmost placement, unchanged base first): chr22-41178161-A-ACAGCAGCAACTC. GRCh37 (hg19) VCF-style: chr22-41574165-A-ACAGCAGCAACTC.
Other names: c.6377_6388dup, p.Gln2129_Pro2130insGlnGlnLeuGln (NM_001362843.2).
Identifiers: ClinVar variation 2629485 (VCV002629485.4), dbSNP rs1352758271, ClinGen allele CA639825921.

ClinVar aggregate classification (germline): Uncertain significance. Review status: criteria provided, multiple submitters, no conflicts (2 of 4 stars). 2 submissions from 2 submitters: Uncertain significance (2). Last evaluated 2025-12-23.

Conditions:
EP300-related disorder. Also called: EP300-related disorders; EP300-related condition.
Rubinstein-Taybi syndrome due to EP300 haploinsufficiency. Also called: EP300-Related Rubinstein-Taybi Syndrome; RUBINSTEIN-TAYBI SYNDROME 2. Identifiers: Orphanet 353284, Orphanet 783, MedGen C3150941, MONDO:0013364, OMIM 613684.

Submissions (2):

PreventionGenetics, part of Exact Sciences
Classification: Uncertain significance for EP300-related condition. Last evaluated: 2025-12-23. Review status: criteria provided, single submitter. Criteria: ACMG Guidelines, 2015. Collection method: clinical testing. Allele origin: germline.
Comment: The EP300 c.6455_6466dup12 variant is predicted to result in an in-frame duplication (p.Gln2152_Gln2155dup). To our knowledge, this variant has not been reported in the literature. This variant is reported in 0.0062% of alleles in individuals of African descent in gnomAD. At this time, the clinical significance of this variant is uncertain due to the absence of conclusive functional and genetic evidence.

Labcorp Genetics (formerly Invitae), Labcorp
Classification: Uncertain significance for Rubinstein-Taybi syndrome due to EP300 haploinsufficiency. Last evaluated: 2024-06-28. Review status: criteria provided, single submitter. Criteria: Invitae Variant Classification Sherloc (09022015). Collection method: clinical testing. Allele origin: germline.
Comment: This variant, c.6455_6466dup, results in the insertion of 4 amino acid(s) of the EP300 protein (p.Gln2152_Gln2155dup), but otherwise preserves the integrity of the reading frame. This variant is present in population databases (no rsID available, gnomAD 0.007%). This variant has not been reported in the literature in individuals affected with EP300-related conditions. ClinVar contains an entry for this variant (Variation ID: 2629485). In summary, the available evidence is currently insufficient to determine the role of this variant in disease. Therefore, it has been classified as a Variant of Uncertain Significance.